The following is an entry in ClinVar:

NM_139343.3(BIN1):c.967A>T (p.Thr323Ser)

Gene: BIN1 (bridging integrator 1; minus strand). Cytogenetic location: 2q14.3.
Variant type: single nucleotide variant.
Coding change: c.967A>T on transcript NM_139343.3 (MANE Select); coding-DNA position 967, A replaced by T.
Protein change: p.Thr323Ser; replaces threonine 323 with serine.
Molecular consequence: missense variant.
Genome position (GRCh38, 1-based): chr2:127,059,046, T>A on the plus strand (A>T on the coding strand, the complement: BIN1 is on the minus strand). VCF-style: chr2-127059046-T-A. GRCh37 (hg19) VCF-style: chr2-127816622-T-A.
Other names: c.874A>T, p.Thr292Ser (NM_139350.3, NM_139351.3, NM_001320641.2 and 3 more transcripts); c.919A>T, p.Thr307Ser (NM_001320632.2, NM_004305.4, NM_139346.3); c.967A>T, p.Thr323Ser (NM_001320633.2, NM_001320640.2, NM_139344.3 and 1 more transcripts); c.802A>T, p.Thr268Ser (NM_001320634.1); c.886A>T, p.Thr296Ser (NM_001320642.1); short protein forms T323S, T268S, T296S, T307S, T292S.
Identifiers: ClinVar variation 1432622 (VCV001432622.6), dbSNP rs753614814, ClinGen allele CA1857222.
Genomic context (GRCh38, chr2:127,059,046, plus strand): 5'-CCTGCTACCAAGACATCACTCCTACCTGAGATGGGGACTTGGGGAGGGTGGCCCCGGGCG[T>A]GGCCCCGCCGGCCGGCTCTGGCTCGTGGTTGACTCTGATCTCGGGGGTGGCGGCAGGGGA-3'
Protein context (NP_647593.1, residues 313-333): NHEPEPAGGA[Thr323Ser]PGATLPKSPS

ClinVar aggregate classification (germline): Uncertain significance (1 of 4 stars; one submission).

Conditions:
Myopathy, centronuclear, 2 (CNM2). Also called: MYOTUBULAR MYOPATHY, AUTOSOMAL RECESSIVE. Identifiers: Orphanet 169186, MedGen CN031787, MONDO:0009709, OMIM 255200.

Allele frequency attached by ClinVar (database versions not stated): gnomAD exomes below 0.00001 and 0.00001; TOPMed below 0.00001.
gnomAD v4.1: 6 of 1,566,530 alleles (0.00038%); highest among the groups gnomAD compares: Non-Finnish European, 0.00052%; no homozygotes.

Submission:

Labcorp Genetics (formerly Invitae), Labcorp
Classification: Uncertain significance for Myopathy, centronuclear, 2. Last evaluated: 2024-03-06. Review status: criteria provided, single submitter. Criteria: Invitae Variant Classification Sherloc (09022015). Collection method: clinical testing. Allele origin: germline.
Comment: This sequence change replaces threonine, which is neutral and polar, with serine, which is neutral and polar, at codon 323 of the BIN1 protein (p.Thr323Ser). This variant is present in population databases (rs753614814, gnomAD 0.001%). This variant has not been reported in the literature in individuals affected with BIN1-related conditions. ClinVar contains an entry for this variant (Variation ID: 1432622). Algorithms developed to predict the effect of missense changes on protein structure and function output the following: SIFT: "Not Available"; PolyPhen-2: "Benign"; Align-GVGD: "Not Available". The serine amino acid residue is found in multiple mammalian species, which suggests that this missense change does not adversely affect protein function. In summary, the available evidence is currently insufficient to determine the role of this variant in disease. Therefore, it has been classified as a Variant of Uncertain Significance.